The following is an entry in ClinVar:

ClinVar aggregate classification (germline): Uncertain significance (1 of 4 stars; one submission).

Conditions:
Bethlem myopathy 1A. Also called: Bethlem Muscular Dystrophy; Bethlem myopathy 1; MYOPATHY, BENIGN CONGENITAL, WITH CONTRACTURES. Identifiers: Orphanet 610, MedGen CN029274, MONDO:0024530, OMIM 158810.

Allele frequency attached by ClinVar (database versions not stated): gnomAD exomes below 0.00001.
gnomAD v4.1: 2 of 1,482,716 alleles (0.00013%); highest among the groups gnomAD compares: Non-Finnish European, 0.00018%; no homozygotes.

Submission:

Labcorp Genetics (formerly Invitae), Labcorp
Classification: Uncertain significance for Bethlem myopathy 1A. Last evaluated: 2024-07-24. Review status: criteria provided, single submitter. Criteria: Invitae Variant Classification Sherloc (09022015). Collection method: clinical testing. Allele origin: germline.
Comment: This sequence change replaces proline, which is neutral and non-polar, with serine, which is neutral and polar, at codon 452 of the COL6A2 protein (p.Pro452Ser). This variant is not present in population databases (gnomAD no frequency). This variant has not been reported in the literature in individuals affected with COL6A2-related conditions. ClinVar contains an entry for this variant (Variation ID: 952969). Advanced modeling of protein sequence and biophysical properties (such as structural, functional, and spatial information, amino acid conservation, physicochemical variation, residue mobility, and thermodynamic stability) performed at Invitae indicates that this missense variant is not expected to disrupt COL6A2 protein function with a negative predictive value of 80%. In summary, the available evidence is currently insufficient to determine the role of this variant in disease. Therefore, it has been classified as a Variant of Uncertain Significance.

NM_001849.4(COL6A2):c.1354C>T (p.Pro452Ser)

Gene: COL6A2 (collagen type VI alpha 2 chain; plus strand). Cytogenetic location: 21q22.3.
Variant type: single nucleotide variant.
Coding change: c.1354C>T on transcript NM_001849.4 (MANE Select); coding-DNA position 1354, C replaced by T.
Protein change: p.Pro452Ser; replaces proline 452 with serine.
Molecular consequence: missense variant.
Genome position (GRCh38, 1-based): chr21:46,120,536, C>T. VCF-style: chr21-46120536-C-T. GRCh37 (hg19) VCF-style: chr21-47540450-C-T.
Other names: c.1354C>T, p.Pro452Ser (NM_058174.3, NM_058175.3); short protein forms P452S.
Identifiers: ClinVar variation 952969 (VCV000952969.10), dbSNP rs1269914621, ClinGen allele CA410530705.